The following is an entry in ClinVar:

NM_032531.4(KIRREL3):c.870C>A (p.Ile290=)

Gene: KIRREL3 (kirre like nephrin family adhesion molecule 3; minus strand). Cytogenetic location: 11q24.2.
Variant type: single nucleotide variant.
Coding change: c.870C>A on transcript NM_032531.4 (MANE Select); coding-DNA position 870, C replaced by A.
Protein change: p.Ile290=; no amino-acid change (isoleucine 290 retained).
Molecular consequence: synonymous variant.
Genome position (GRCh38, 1-based): chr11:126,449,136, G>T on the plus strand (C>A on the coding strand, the complement: KIRREL3 is on the minus strand). VCF-style: chr11-126449136-G-T. GRCh37 (hg19) VCF-style: chr11-126319031-G-T.
Other names: c.870C>A, p.Ile290= (NM_001161707.2, NM_001301097.2).
Identifiers: ClinVar variation 211308 (VCV000211308.32), dbSNP rs200243864, ClinGen allele CA208980.
Genomic context (GRCh38, chr11:126,449,136, plus strand): 5'-CTCTGAGAAGTACGTGTAGTCCACTGTGGTCCTGTACACCTCTCCAGATGCCTCCTTGAT[G>T]ATCTGGCCCCGCTTGGCCCACCTGCAACAAAGGCCAGGGGCTGATGTGGGCCTTGAGTGG-3'
Protein context (NP_115920.1, residues 280-300): TQYRWAKRGQ[Ile290=]IKEASGEVYR

ClinVar aggregate classification (germline): Benign/Likely benign. Review status: criteria provided, multiple submitters, no conflicts (2 of 4 stars). 3 submissions from 3 submitters: Benign (2); Likely benign (1). Last evaluated 2023-10-01.

Allele frequency attached by ClinVar (database versions not stated): ESP Exome Variant Server 0.00048; gnomAD 0.00051 and 0.00060; TOPMed 0.00058; gnomAD exomes 0.00084 and 0.00098; ExAC 0.00098; 1000 Genomes Project 0.00100; 1000 Genomes Project 30x 0.00109.
gnomAD v4.1: 1,521 of 1,613,968 alleles (0.094%); highest among the groups gnomAD compares: Middle Eastern, 0.36%; 7 homozygotes.

Submissions (3):

CeGaT Center for Human Genetics Tuebingen
Classification: Likely benign. Last evaluated: 2023-10-01. Review status: criteria provided, single submitter. Criteria: CeGaT Center For Human Genetics Tuebingen Variant Classification Criteria Version 2. Collection method: clinical testing. Allele origin: germline. Affected: yes. Observed: 1 variant allele.
Comment: KIRREL3: BP4, BP7

Genetic Services Laboratory, University of Chicago
Classification: Benign. Last evaluated: 2018-04-26. Review status: criteria provided, single submitter. Criteria: ACMG Guidelines, 2015. Collection method: clinical testing. Allele origin: germline. Affected: no.

Breakthrough Genomics
Classification: Benign. Review status: criteria provided, single submitter. Criteria: ACMG Guidelines, 2015. Collection method: not provided. Allele origin: germline. Inheritance: Unknown mechanism. Affected: yes.